The following is an entry in ClinVar:

NM_006206.6(PDGFRA):c.1012G>C (p.Glu338Gln)

Gene: PDGFRA (platelet derived growth factor receptor alpha; plus strand). Cytogenetic location: 4q12.
Variant type: single nucleotide variant.
Coding change: c.1012G>C on transcript NM_006206.6 (MANE Select); coding-DNA position 1012, G replaced by C.
Protein change: p.Glu338Gln; replaces glutamic acid 338 with glutamine.
Molecular consequence: missense variant.
Genome position (GRCh38, 1-based): chr4:54,267,632, G>C. VCF-style: chr4-54267632-G-C. GRCh37 (hg19) VCF-style: chr4-55133799-G-C.
Other names: c.1012G>C, p.Glu338Gln (NM_001347827.2, NM_001347829.2); c.1087G>C, p.Glu363Gln (NM_001347828.2); c.1051G>C, p.Glu351Gln (NM_001347830.2); short protein forms E338Q, E351Q, E363Q.
Identifiers: ClinVar variation 4704876 (VCV004704876.1).
Genomic context (GRCh38, chr4:54,267,632, plus strand): 5'-AAACCCACCTTCAGCCAGTTGGAAGCTGTCAACCTGCATGAAGTCAAACATTTTGTTGTA[G>C]AGGTGCGGGCCTACCCACCTCCCAGGATATCCTGGCTGAAAAACAATCTGACTCTGATTG-3'
Protein context (NP_006197.1, residues 328-348): NLHEVKHFVV[Glu338Gln]VRAYPPPRIS

ClinVar aggregate classification (germline): Uncertain significance (1 of 4 stars; one submission).

Conditions:
Gastrointestinal stromal tumor. Also called: Gastrointestinal stromal tumor, somatic; Gastrointestinal stroma tumor. Identifiers: Orphanet 44890, MedGen C0238198, MeSH D046152, MONDO:0011719, OMIM 606764, HP:0100723.

Submission:

Labcorp Genetics (formerly Invitae), Labcorp
Classification: Uncertain significance for Gastrointestinal stromal tumor. Last evaluated: 2025-07-23. Review status: criteria provided, single submitter. Criteria: Invitae Variant Classification Sherloc (09022015). Collection method: clinical testing. Allele origin: germline.
Comment: This sequence change replaces glutamic acid, which is acidic and polar, with glutamine, which is neutral and polar, at codon 338 of the PDGFRA protein (p.Glu338Gln). This variant is not present in population databases (gnomAD no frequency). This variant has not been reported in the literature in individuals affected with PDGFRA-related conditions. Invitae Evidence Modeling of protein sequence and biophysical properties (such as structural, functional, and spatial information, amino acid conservation, physicochemical variation, residue mobility, and thermodynamic stability) indicates that this missense variant is not expected to disrupt PDGFRA protein function with a negative predictive value of 80%. Algorithms developed to predict the effect of sequence changes on RNA splicing suggest that this variant may disrupt the consensus splice site. In summary, the available evidence is currently insufficient to determine the role of this variant in disease. Therefore, it has been classified as a Variant of Uncertain Significance.